The following is an entry in ClinVar:

ClinVar aggregate classification (germline): Pathogenic. Review status: criteria provided, multiple submitters, no conflicts (2 of 4 stars). 2 submissions from 2 submitters: Pathogenic (2). Last evaluated 2025-07-17.

Conditions:
Intellectual developmental disorder, autosomal dominant 1. Also called: MBD5 Haploinsufficiency; Intellectual disability, autosomal dominant 1. Identifiers: Orphanet 228402, MedGen C1969562, MONDO:0007974, OMIM 156200.
Inborn genetic diseases. Identifiers: MedGen C0950123, MeSH D030342.

Submissions (2):

Ambry Genetics
Classification: Pathogenic for Inborn genetic diseases. Last evaluated: 2025-07-17. Review status: criteria provided, single submitter. Criteria: Ambry Variant Classification Scheme 2023. Collection method: clinical testing. Allele origin: germline.
Comment: The c.2899delC (p.Q967Sfs*4) alteration, located in exon 11 (coding exon 6) of the MBD5 gene, consists of a deletion of one nucleotide at position 2899, causing a translational frameshift with a predicted alternate stop codon after 4 amino acids. This changes the amino acid from an glutamine (Q) to a stop codon at amino acid position 967. This alteration is expected to result in loss of function by premature protein truncation or nonsense-mediated mRNA decay. This variant was not reported in population-based cohorts in the Genome Aggregation Database (gnomAD). Based on the available evidence, this alteration is classified as pathogenic.

Labcorp Genetics (formerly Invitae), Labcorp
Classification: Pathogenic for Intellectual developmental disorder, autosomal dominant 1. Last evaluated: 2022-10-25. Review status: criteria provided, single submitter. Criteria: Invitae Variant Classification Sherloc (09022015). Collection method: clinical testing. Allele origin: germline.
Comment: This sequence change creates a premature translational stop signal (p.Gln967Serfs*4) in the MBD5 gene. It is expected to result in an absent or disrupted protein product. Loss-of-function variants in MBD5 are known to be pathogenic (PMID: 23422940, 23587880). This variant is not present in population databases (gnomAD no frequency). This variant has not been reported in the literature in individuals affected with MBD5-related conditions. For these reasons, this variant has been classified as Pathogenic.

Literature cited by the submitters: PubMed 23422940 (cited by Labcorp Genetics (formerly Invitae), Labcorp); PubMed 23587880 (cited by Labcorp Genetics (formerly Invitae), Labcorp).

NM_001378120.1(MBD5):c.3598del (p.Gln1200fs)

Gene: MBD5 (methyl-CpG binding domain protein 5; plus strand). Cytogenetic location: 2q23.1.
Variant type: Deletion.
Coding change: c.3598del on transcript NM_001378120.1 (MANE Select); coding-DNA position 3598, one base deleted (C; older notation c.3598delC).
Protein change: p.Gln1200fs; shifts the reading frame from glutamine 1200.
Molecular consequence: frameshift variant.
Genome position (GRCh38, 1-based): chr2:148,485,795, C deleted. VCF-style (leftmost placement, unchanged base first): chr2-148485794-AC-A. GRCh37 (hg19) VCF-style: chr2-149243363-AC-A.
Other names: c.2899delC (NM_018328.4); c.2899del, p.Gln967fs (NM_018328.5); short protein forms Q1200fs, Q967fs.
Identifiers: ClinVar variation 2022605 (VCV002022605.5), dbSNP rs2469995885, ClinGen allele CA2580063997.